The following is an entry in ClinVar:

NM_001370658.1(BTD):c.184G>A (p.Ala62Thr)

Gene: BTD (biotinidase; plus strand). Cytogenetic location: 3p25.1.
Variant type: single nucleotide variant.
Coding change: c.184G>A on transcript NM_001370658.1 (MANE Select); coding-DNA position 184, G replaced by A.
Protein change: p.Ala62Thr; replaces alanine 62 with threonine.
Molecular consequence: missense variant.
Genome position (GRCh38, 1-based): chr3:15,635,623, G>A. VCF-style: chr3-15635623-G-A. GRCh37 (hg19) VCF-style: chr3-15677130-G-A.
Other names: c.184G>A, p.Ala62Thr (NM_001281723.4, NM_001281724.3, NM_001281725.3 and 37 more transcripts); short protein forms A62T.
Identifiers: ClinVar variation 4745933 (VCV004745933.1).

ClinVar aggregate classification (germline): Likely pathogenic (1 of 4 stars; one submission).

Conditions:
Biotinidase deficiency. Also called: BTD deficiency; Late-onset biotin-responsive multiple carboxylase deficiency; Biotin deficiency. Identifiers: Orphanet 79241, MedGen C0220754, MONDO:0009665, OMIM 253260.

Submission:

Labcorp Genetics (formerly Invitae), Labcorp
Classification: Likely pathogenic for Biotinidase deficiency. Last evaluated: 2025-11-08. Review status: criteria provided, single submitter. Criteria: Invitae Variant Classification Sherloc (09022015). Collection method: clinical testing. Allele origin: germline.
Comment: This sequence change replaces alanine, which is neutral and non-polar, with threonine, which is neutral and polar, at codon 82 of the BTD protein (p.Ala82Thr). This variant is not present in population databases (gnomAD no frequency). This variant has not been reported in the literature in individuals affected with BTD-related conditions. Invitae Evidence Modeling of protein sequence and biophysical properties (such as structural, functional, and spatial information, amino acid conservation, physicochemical variation, residue mobility, and thermodynamic stability) indicates that this missense variant is expected to disrupt BTD protein function with a positive predictive value of 95%. This variant disrupts the p.Ala82 amino acid residue in BTD. Other variant(s) that disrupt this residue have been determined to be pathogenic (PMID: 26810761). This suggests that this residue is clinically significant, and that variants that disrupt this residue are likely to be disease-causing. In summary, the currently available evidence indicates that the variant is pathogenic, but additional data are needed to prove that conclusively. Therefore, this variant has been classified as Likely Pathogenic.

Literature cited by the submitters: PubMed 26810761.